The following is an entry in ClinVar:

NM_032608.7(MYO18B):c.1101C>T (p.Asp367=)

Gene: MYO18B (myosin XVIIIB; plus strand). Cytogenetic location: 22q12.1.
Variant type: single nucleotide variant.
Coding change: c.1101C>T on transcript NM_032608.7 (MANE Select); coding-DNA position 1101, C replaced by T.
Protein change: p.Asp367=; no amino-acid change (aspartic acid 367 retained).
Molecular consequence: synonymous variant.
Genome position (GRCh38, 1-based): chr22:25,769,017, C>T. VCF-style: chr22-25769017-C-T. GRCh37 (hg19) VCF-style: chr22-26164984-C-T.
Other names: c.1101C>T, p.Asp367= (NM_001318245.2); c.1101C>T (NM_032608.6).
Identifiers: ClinVar variation 1463991 (VCV001463991.14), dbSNP rs372586688, ClinGen allele CA10159754.
Genomic context (GRCh38, chr22:25,769,017, plus strand): 5'-GACAGGTGAGCCTCAGACCCAGATGGAGAAGACAAGCCAAGTGCAGGGCGAGTTGGGGGA[C>T]GATCTGAGAATGGGGGAGAAAGCAGGTGAGCTTCGGAGCACGACTGGGAAGGCAGGTGAG-3'
Protein context (NP_115997.5, residues 357-377): KTSQVQGELG[Asp367=]DLRMGEKAGE

ClinVar aggregate classification (germline): Likely benign. Review status: criteria provided, multiple submitters, no conflicts (2 of 4 stars). 4 submissions from 4 submitters: Likely benign (4). Last evaluated 2026-05-06.

Conditions:
MYO18B-related disorder. Also called: MYO18B-related condition.

Allele frequency attached by ClinVar (database versions not stated): gnomAD exomes 0.00013; ExAC 0.00019; 1000 Genomes Project 30x 0.00031; 1000 Genomes Project 0.00040; gnomAD 0.00042 and 0.00048; ESP Exome Variant Server 0.00048; TOPMed 0.00062.
gnomAD v4.1: 170 of 1,610,958 alleles (0.011%); highest among the groups gnomAD compares: African/African-American, 0.14%; no homozygotes.

Submissions (4):

PreventionGenetics, part of Exact Sciences
Classification: Likely benign for MYO18B-related condition. Last evaluated: 2026-05-06. Review status: criteria provided, single submitter. Criteria: ACMG Guidelines, 2015. Collection method: clinical testing. Allele origin: germline.
Comment: This variant is classified as likely benign based on ACMG/AMP sequence variant interpretation guidelines (Richards et al. 2015 PMID: 25741868, with internal and published modifications).

CeGaT Center for Human Genetics Tuebingen
Classification: Likely benign. Last evaluated: 2026-03-01. Review status: criteria provided, single submitter. Criteria: CeGaT Center For Human Genetics Tuebingen Variant Classification Criteria Version 2. Collection method: clinical testing. Allele origin: germline. Affected: yes. Observed: 1 variant allele.
Comment: MYO18B: BP4, BP7

Labcorp Genetics (formerly Invitae), Labcorp
Classification: Likely benign. Last evaluated: 2026-01-26. Review status: criteria provided, single submitter. Criteria: Invitae Variant Classification Sherloc (09022015). Collection method: clinical testing. Allele origin: germline.

Blueprint Genetics
Classification: Likely benign. Last evaluated: 2024-07-05. Review status: criteria provided, single submitter. Criteria: ACMG Guidelines, 2015. Collection method: clinical testing. Allele origin: germline.